The following is an entry in ClinVar:

NM_031418.4(ANO3):c.101G>A (p.Arg34Gln)

Gene: ANO3 (anoctamin 3; plus strand). Cytogenetic location: 11p14.2.
Variant type: single nucleotide variant.
Coding change: c.101G>A on transcript NM_031418.4 (MANE Select); coding-DNA position 101, G replaced by A.
Protein change: p.Arg34Gln; replaces arginine 34 with glutamine.
Molecular consequence: missense variant.
Genome position (GRCh38, 1-based): chr11:26,441,972, G>A. VCF-style: chr11-26441972-G-A. GRCh37 (hg19) VCF-style: chr11-26463519-G-A.
Other names: c.284G>A, p.Arg95Gln (NM_001313726.2); short protein forms R34Q, R95Q.
Identifiers: ClinVar variation 3381598 (VCV003381598.2).
Genomic context (GRCh38, chr11:26,441,972, plus strand): 5'-TTGCAGGTATGAATATAAGCAAGAGTGAGATAACAAAAGAAACTTCGTTAAAACCGTCTC[G>A]GAGATCCCTGCCTTGCCTCGCCCAGAGCTACGCTTACTCAAAGAGCTTGAGCCAGTCTAC-3'
Protein context (NP_113606.2, residues 24-44): ITKETSLKPS[Arg34Gln]RSLPCLAQSY

ClinVar aggregate classification (germline): Uncertain significance. Review status: criteria provided, multiple submitters, no conflicts (2 of 4 stars). 2 submissions from 2 submitters: Uncertain significance (2). Last evaluated 2025-08-10.

Conditions:
Inborn genetic diseases. Identifiers: MedGen C0950123, MeSH D030342.

gnomAD v4.1: 5 of 1,613,906 alleles (0.00031%); highest among the groups gnomAD compares: Middle Eastern, 0.033%; no homozygotes.

Submissions (2):

Ambry Genetics
Classification: Uncertain significance for Inborn genetic diseases. Last evaluated: 2025-08-10. Review status: criteria provided, single submitter. Criteria: Ambry Variant Classification Scheme 2023. Collection method: clinical testing. Allele origin: germline.

GeneDx
Classification: Uncertain significance. Last evaluated: 2024-05-20. Review status: criteria provided, single submitter. Criteria: GeneDx Variant Classification Process June 2021. Collection method: clinical testing. Allele origin: germline. Affected: yes.
Comment: Not observed at significant frequency in large population cohorts (gnomAD); In silico analysis indicates that this missense variant does not alter protein structure/function; Has not been previously published as pathogenic or benign to our knowledge